The following is an entry in ClinVar:

ClinVar aggregate classification (germline): Uncertain significance (1 of 4 stars; one submission).

Conditions:
Encephalopathy, acute, infection-induced (herpes-specific), susceptibility to, 1. Also called: Herpes simplex encephalitis, susceptibility to, 1. Identifiers: Orphanet 1930, MedGen C2750180, MONDO:0024563, OMIM 610551.

Allele frequency attached by ClinVar (database versions not stated): gnomAD exomes below 0.00001.
gnomAD v4.1: 2 of 1,614,110 alleles (0.00012%); highest among the groups gnomAD compares: Non-Finnish European, 0.00017%; no homozygotes.

Submission:

Labcorp Genetics (formerly Invitae), Labcorp
Classification: Uncertain significance for Encephalopathy, acute, infection-induced (herpes-specific), susceptibility to, 1. Last evaluated: 2023-12-15. Review status: criteria provided, single submitter. Criteria: Invitae Variant Classification Sherloc (09022015). Collection method: clinical testing. Allele origin: germline.
Comment: This sequence change creates a premature translational stop signal (p.Trp546*) in the TLR3 gene. It is expected to result in an absent or disrupted protein product. However, the current clinical and genetic evidence is not sufficient to establish whether loss-of-function variants in TLR3 cause disease. This variant is present in population databases (no rsID available, gnomAD 0.0009%). This variant has not been reported in the literature in individuals affected with TLR3-related conditions. In summary, the available evidence is currently insufficient to determine the role of this variant in disease. Therefore, it has been classified as a Variant of Uncertain Significance.

NM_003265.3(TLR3):c.1637G>A (p.Trp546Ter)

Gene: TLR3 (toll like receptor 3; plus strand). Cytogenetic location: 4q35.1.
Variant type: single nucleotide variant.
Coding change: c.1637G>A on transcript NM_003265.3 (MANE Select); coding-DNA position 1637, G replaced by A.
Protein change: p.Trp546Ter; replaces tryptophan 546 with a stop codon.
Molecular consequence: nonsense.
Genome position (GRCh38, 1-based): chr4:186,083,323, G>A. VCF-style: chr4-186083323-G-A. GRCh37 (hg19) VCF-style: chr4-187004477-G-A.
Other names: short protein forms W546*.
Identifiers: ClinVar variation 2771587 (VCV002771587.3), dbSNP rs1446816702, ClinGen allele CA358933132.